The following is an entry in ClinVar:

NM_001199138.2(NLRC4):c.2728G>C (p.Val910Leu)

Gene: NLRC4 (NLR family CARD domain containing 4; minus strand). Cytogenetic location: 2p22.3.
Variant type: single nucleotide variant.
Coding change: c.2728G>C on transcript NM_001199138.2 (MANE Select); coding-DNA position 2728, G replaced by C.
Protein change: p.Val910Leu; replaces valine 910 with leucine.
Molecular consequence: missense variant.
Genome position (GRCh38, 1-based): chr2:32,235,455, C>G on the plus strand (G>C on the coding strand, the complement: NLRC4 is on the minus strand). VCF-style: chr2-32235455-C-G. GRCh37 (hg19) VCF-style: chr2-32460524-C-G.
Other names: c.2728G>C, p.Val910Leu (NM_001199139.2, NM_021209.5); c.733G>C, p.Val245Leu (NM_001302504.2); short protein forms V245L, V910L.
Identifiers: ClinVar variation 4987608 (VCV004987608.1).

ClinVar aggregate classification (germline): Uncertain significance (1 of 4 stars; one submission).

Conditions:
NLRC4-related disorder. Also called: NLRC4-related condition.

gnomAD v4.1: 1 of 1,614,090 alleles (0.000062%); highest among the groups gnomAD compares: Non-Finnish European, 0.000085%; no homozygotes.

Submission:

PreventionGenetics, part of Exact Sciences
Classification: Uncertain significance for NLRC4-related condition. Last evaluated: 2026-05-21. Review status: criteria provided, single submitter. Criteria: ACMG Guidelines, 2015. Collection method: clinical testing. Allele origin: germline.
Comment: The NLRC4 c.2728G>C variant is predicted to result in the amino acid substitution p.Val910Leu. To our knowledge, this variant has not been reported in the literature or in a large population database (gnomAD), indicating this variant is rare. At this time, the clinical significance of this variant is uncertain due to the absence of conclusive functional and genetic evidence.